The following is an entry in ClinVar:

NM_025179.4(PLXNA2):c.2012G>A (p.Arg671His)

Gene: PLXNA2 (plexin A2; minus strand). Cytogenetic location: 1q32.2.
Variant type: single nucleotide variant.
Coding change: c.2012G>A on transcript NM_025179.4 (MANE Select); coding-DNA position 2012, G replaced by A.
Protein change: p.Arg671His; replaces arginine 671 with histidine.
Molecular consequence: missense variant.
Genome position (GRCh38, 1-based): chr1:208,092,871, C>T on the plus strand (G>A on the coding strand, the complement: PLXNA2 is on the minus strand). VCF-style: chr1-208092871-C-T. GRCh37 (hg19) VCF-style: chr1-208266216-C-T.
Other names: c.2012G>A (NM_025179.3); short protein forms R671H.
Identifiers: ClinVar variation 2901523 (VCV002901523.5), dbSNP rs753129962, ClinGen allele CA1373642.

ClinVar aggregate classification (germline): Uncertain significance. Review status: criteria provided, multiple submitters, no conflicts (2 of 4 stars). 3 submissions from 3 submitters: Uncertain significance (2). 1 of the submissions does not count toward it. Last evaluated 2025-02-26.

Conditions:
PLXNA2-related disorder. Also called: PLXNA2-related condition.

Allele frequency attached by ClinVar (database versions not stated): ExAC 0.00002; gnomAD 0.00003; TOPMed 0.00004.
gnomAD v4.1: 66 of 1,613,664 alleles (0.0041%); highest among the groups gnomAD compares: Admixed American, 0.01%; no homozygotes.

Submissions (3):

Ambry Genetics
Classification: Uncertain significance. Last evaluated: 2025-02-26. Review status: criteria provided, single submitter. Criteria: Ambry Variant Classification Scheme 2023. Collection method: clinical testing. Allele origin: germline.

Labcorp Genetics (formerly Invitae), Labcorp
Classification: Uncertain significance. Last evaluated: 2023-12-07. Review status: criteria provided, single submitter. Criteria: Invitae Variant Classification Sherloc (09022015). Collection method: clinical testing. Allele origin: germline.
Comment: This sequence change replaces arginine, which is basic and polar, with histidine, which is basic and polar, at codon 671 of the PLXNA2 protein (p.Arg671His). This variant is present in population databases (rs753129962, gnomAD 0.01%). This variant has not been reported in the literature in individuals affected with PLXNA2-related conditions. Advanced modeling of protein sequence and biophysical properties (such as structural, functional, and spatial information, amino acid conservation, physicochemical variation, residue mobility, and thermodynamic stability) performed at Invitae indicates that this missense variant is not expected to disrupt PLXNA2 protein function with a negative predictive value of 80%. In summary, the available evidence is currently insufficient to determine the role of this variant in disease. Therefore, it has been classified as a Variant of Uncertain Significance.

PreventionGenetics, part of Exact Sciences
Classification: Uncertain significance for PLXNA2-related condition. Last evaluated: 2024-05-12. Review status: no assertion criteria provided. Collection method: clinical testing. Allele origin: germline. Not counted in ClinVar's aggregate classification.
Comment: The PLXNA2 c.2012G>A variant is predicted to result in the amino acid substitution p.Arg671His. To our knowledge, this variant has not been reported in the literature. This variant is reported in 0.014% of alleles in individuals of Latino descent in gnomAD. At this time, the clinical significance of this variant is uncertain due to the absence of conclusive functional and genetic evidence.